The following is an entry in ClinVar:

NM_177438.3(DICER1):c.1177C>T (p.Gln393Ter)

Gene: DICER1 (dicer 1, ribonuclease III; minus strand). Cytogenetic location: 14q32.13.
Variant type: single nucleotide variant.
Coding change: c.1177C>T on transcript NM_177438.3 (MANE Select); coding-DNA position 1177, C replaced by T.
Protein change: p.Gln393Ter; replaces glutamine 393 with a stop codon.
Molecular consequence: nonsense.
Genome position (GRCh38, 1-based): chr14:95,124,395, G>A on the plus strand (C>T on the coding strand, the complement: DICER1 is on the minus strand). VCF-style: chr14-95124395-G-A. GRCh37 (hg19) VCF-style: chr14-95590732-G-A.
Other names: c.1177C>T, p.Gln393Ter (NM_001195573.1, NM_001271282.3, NM_001291628.2 and 1 more transcripts); short protein forms Q393*.
Identifiers: ClinVar variation 933049 (VCV000933049.10), dbSNP rs1893210489, ClinGen allele CA390886794.

ClinVar aggregate classification (germline): Pathogenic. Review status: criteria provided, multiple submitters, no conflicts (2 of 4 stars). 2 submissions from 2 submitters: Pathogenic (2). Last evaluated 2020-01-13.

Conditions:
DICER1-related tumor predisposition. Also called: DICER1-related pleuropulmonary blastoma cancer predisposition syndrome; DICER1 syndrome. Identifiers: Orphanet 284343, MedGen C3839822, MONDO:0100216.

Submissions (2):

Labcorp Genetics (formerly Invitae), Labcorp
Classification: Pathogenic for DICER1-related tumor predisposition. Last evaluated: 2020-01-13. Review status: criteria provided, single submitter. Criteria: Invitae Variant Classification Sherloc (09022015). Collection method: clinical testing. Allele origin: germline.
Comment: For these reasons, this variant has been classified as Pathogenic. Loss-of-function variants in DICER1 are known to be pathogenic (PMID: 19556464, 21266384). This variant has not been reported in the literature in individuals with DICER1-related conditions. This variant is not present in population databases (ExAC no frequency). This sequence change creates a premature translational stop signal (p.Gln393*) in the DICER1 gene. It is expected to result in an absent or disrupted protein product.

Foulkes Cancer Genetics LDI, Lady Davis Institute for Medical Research
Classification: Pathogenic for Pleuropulmonary blastoma. Last evaluated: 2019-07-01. Review status: criteria provided, single submitter. Criteria: ACMG Guidelines, 2015. Collection method: curation. Allele origin: unknown. Affected: yes. Observed: 1 variant allele.
Comment: ACMG criteria met: PVS1, PM1, PM2, PP4

Literature cited by the submitters: PubMed 19556464 (cited by Labcorp Genetics (formerly Invitae), Labcorp); PubMed 21266384 (cited by Labcorp Genetics (formerly Invitae), Labcorp); PubMed 28177962 (cited by Foulkes Cancer Genetics LDI, Lady Davis Institute for Medical Research).